The following is an entry in ClinVar:

ClinVar aggregate classification (germline): Conflicting classifications of pathogenicity. Review status: criteria provided, conflicting classifications (1 of 4 stars). 4 submissions from 4 submitters: Uncertain significance (2); Likely benign (2). Last evaluated 2025-10-02.

Conditions:
Bethlem myopathy 1A. Also called: Bethlem Muscular Dystrophy; MYOPATHY, BENIGN CONGENITAL, WITH CONTRACTURES; Bethlem myopathy 1. Identifiers: Orphanet 610, MedGen CN029274, MONDO:0024530, OMIM 158810.

Allele frequency attached by ClinVar (database versions not stated): gnomAD 0.00002 and 0.00006; TOPMed 0.00002; gnomAD exomes 0.00009 and 0.00015; ExAC 0.00014.
gnomAD v4.1: 129 of 1,613,452 alleles (0.008%); highest among the groups gnomAD compares: South Asian, 0.11%; 4 homozygotes.

Submissions (4):

Labcorp Genetics (formerly Invitae), Labcorp
Classification: Likely benign for Bethlem myopathy 1A. Last evaluated: 2025-10-02. Review status: criteria provided, single submitter. Criteria: Invitae Variant Classification Sherloc (09022015). Collection method: clinical testing. Allele origin: germline.

Revvity Omics, Revvity
Classification: Uncertain significance. Last evaluated: 2023-09-22. Review status: criteria provided, single submitter. Criteria: ACMG Guidelines, 2015. Collection method: clinical testing. Allele origin: germline.

GeneDx
Classification: Likely benign. Last evaluated: 2020-08-06. Review status: criteria provided, single submitter. Criteria: GeneDx Variant Classification Process June 2021. Collection method: clinical testing. Allele origin: germline. Affected: yes.
Comment: See Variant Classification Assertion Criteria.

Eurofins Ntd Llc (ga)
Classification: Uncertain significance. Last evaluated: 2018-02-23. Review status: criteria provided, single submitter. Criteria: EGL ClinVar v180209 classification definitions. Collection method: clinical testing. Allele origin: germline. Observed: 2 variant alleles, 2 heterozygotes.

NM_004369.4(COL6A3):c.8891C>T (p.Ala2964Val)

Gene: COL6A3 (collagen type VI alpha 3 chain; minus strand). Cytogenetic location: 2q37.3.
Variant type: single nucleotide variant.
Coding change: c.8891C>T on transcript NM_004369.4 (MANE Select); coding-DNA position 8891, C replaced by T.
Protein change: p.Ala2964Val; replaces alanine 2964 with valine.
Molecular consequence: missense variant.
Genome position (GRCh38, 1-based): chr2:237,336,209, G>A on the plus strand (C>T on the coding strand, the complement: COL6A3 is on the minus strand). VCF-style: chr2-237336209-G-A. GRCh37 (hg19) VCF-style: chr2-238244852-G-A.
Other names: c.7070C>T, p.Ala2357Val (NM_057166.5); c.8273C>T, p.Ala2758Val (NM_057167.4); short protein forms A2964V, A2357V, A2758V.
Identifiers: ClinVar variation 286480 (VCV000286480.19), dbSNP rs563813743, ClinGen allele CA2187420.